The following is an entry in ClinVar:

ClinVar aggregate classification (germline): Uncertain significance (1 of 4 stars; one submission).

gnomAD v4.1: 4 of 1,613,950 alleles (0.00025%); highest among the groups gnomAD compares: South Asian, 0.0044%; no homozygotes.

Submission:

Labcorp Genetics (formerly Invitae), Labcorp
Classification: Uncertain significance. Last evaluated: 2024-10-30. Review status: criteria provided, single submitter. Criteria: Invitae Variant Classification Sherloc (09022015). Collection method: clinical testing. Allele origin: germline.
Comment: This sequence change replaces threonine, which is neutral and polar, with proline, which is neutral and non-polar, at codon 85 of the JAK1 protein (p.Thr85Pro). This variant is present in population databases (no rsID available, gnomAD 0.003%). This variant has not been reported in the literature in individuals affected with JAK1-related conditions. Invitae Evidence Modeling of protein sequence and biophysical properties (such as structural, functional, and spatial information, amino acid conservation, physicochemical variation, residue mobility, and thermodynamic stability) indicates that this missense variant is not expected to disrupt JAK1 protein function with a negative predictive value of 80%. In summary, the available evidence is currently insufficient to determine the role of this variant in disease. Therefore, it has been classified as a Variant of Uncertain Significance.

NM_002227.4(JAK1):c.253A>C (p.Thr85Pro)

Gene: JAK1 (Janus kinase 1; minus strand). Cytogenetic location: 1p31.3.
Variant type: single nucleotide variant.
Coding change: c.253A>C on transcript NM_002227.4 (MANE Select); coding-DNA position 253, A replaced by C.
Protein change: p.Thr85Pro; replaces threonine 85 with proline.
Molecular consequence: missense variant.
Genome position (GRCh38, 1-based): chr1:64,879,101, T>G on the plus strand (A>C on the coding strand, the complement: JAK1 is on the minus strand). VCF-style: chr1-64879101-T-G. GRCh37 (hg19) VCF-style: chr1-65344784-T-G.
Other names: c.253A>C, p.Thr85Pro (NM_001320923.2, NM_001321852.2, NM_001321853.2 and 4 more transcripts); short protein forms T85P.
Identifiers: ClinVar variation 3695787 (VCV003695787.2).